The following is an entry in ClinVar:

NM_000531.6(OTC):c.814G>T (p.Glu272Ter)

Gene: OTC (ornithine transcarbamylase; plus strand). Cytogenetic location: Xp11.4.
Variant type: single nucleotide variant.
Coding change: c.814G>T on transcript NM_000531.6 (MANE Select); coding-DNA position 814, G replaced by T.
Protein change: p.Glu272Ter; replaces glutamic acid 272 with a stop codon.
Molecular consequence: nonsense.
Genome position (GRCh38, 1-based): chrX:38,408,972, G>T. VCF-style: chrX-38408972-G-T. GRCh37 (hg19) VCF-style: chrX-38268225-G-T.
Other names: c.814G>T, p.Glu272Ter (NM_001407092.1); short protein forms E272*.
Identifiers: ClinVar variation 1726569 (VCV001726569.3), dbSNP rs2068530106, ClinGen allele CA412723255.
Genomic context (GRCh38, chrX:38,408,972, plus strand): 5'-GAAGCAGCGCATGGAGGCAATGTATTAATTACAGACACTTGGATAAGCATGGGACAAGAA[G>T]AGGAGAAGAAAAAGCGGCTCCAGGCTTTCCAAGGTTACCAGGTTACAATGAAGGTACAAA-3'

ClinVar aggregate classification (germline): Likely pathogenic. Review status: criteria provided, multiple submitters, no conflicts (2 of 4 stars). 2 submissions from 2 submitters: Likely pathogenic (2). Last evaluated 2021-12-21.

Conditions:
Ornithine carbamoyltransferase deficiency (OTCD). Also called: ORNITHINE TRANSCARBAMYLASE DEFICIENCY, HYPERAMMONEMIA DUE TO; OTC DEFICIENCY; Ornithine Carbamoyltransferase Deficiency Disease; ORNITHINE TRANSCARBAMYLASE DEFICIENCY. Identifiers: Orphanet 664, MedGen C0268542, MONDO:0010703, OMIM 311250.

Submissions (2):

Myriad Genetics, Inc.
Classification: Likely pathogenic for Ornithine carbamoyltransferase deficiency. Last evaluated: 2021-12-21. Review status: criteria provided, single submitter. Criteria: Myriad Women's Health Autosomal Recessive and X-Linked Classification Criteria (2021). Collection method: clinical testing. Allele origin: unknown.
Comment: NM_000531.5(OTC):c.814G>T(E272*) is expected to be pathogenic in the context of ornithine transcarbamylase deficiency. This variant is predicted to lead to an abnormal or absent protein product due to the creation of a premature termination codon in OTC, a gene where loss-of-function variants are known to be pathogenic. Please note: this variant was assessed in the context of healthy population screening.

Juno Genomics, Hangzhou Juno Genomics, Inc
Classification: Likely pathogenic for Ornithine carbamoyltransferase deficiency. Review status: criteria provided, single submitter. Criteria: ACMG Guidelines, 2015. Collection method: clinical testing. Allele origin: germline. Affected: yes.
Comment: Absent from controls (or at extremely low frequency if recessive) in Genome Aggregation Database.;Null variant in a gene where loss of function (LOF) is a known mechanism of disease.